The following is an entry in ClinVar:

NM_006929.5(SKIC2):c.1647+1_1647+2delinsAGAGAGA

Gene: SKIC2 (SKI2 subunit of superkiller complex; plus strand). Cytogenetic location: 6p21.33.
Variant type: Indel.
Coding change: c.1647+1_1647+2delinsAGAGAGA on transcript NM_006929.5 (MANE Select); the canonical splice donor site of the intron after coding-DNA position 1647, GT replaced by AGAGAGA.
Molecular consequence: splice donor variant.
Genome position (GRCh38, 1-based): chr6:31,963,734-31,963,735, GT replaced by AGAGAGA. VCF-style: chr6-31963734-GT-AGAGAGA. GRCh37 (hg19) VCF-style: chr6-31931511-GT-AGAGAGA.
Identifiers: ClinVar variation 2776205 (VCV002776205.3), dbSNP rs2482941903, ClinGen allele CA2739272876.

ClinVar aggregate classification (germline): Likely pathogenic (1 of 4 stars; one submission).

Submission:

Labcorp Genetics (formerly Invitae), Labcorp
Classification: Likely pathogenic. Last evaluated: 2025-10-23. Review status: criteria provided, single submitter. Criteria: Invitae Variant Classification Sherloc (09022015). Collection method: clinical testing. Allele origin: germline.
Comment: This sequence change affects a splice site in intron 15 of the SKIV2L gene. It is expected to disrupt RNA splicing. Variants that disrupt the donor or acceptor splice site typically lead to a loss of protein function (PMID: 16199547), and loss-of-function variants in SKIV2L are known to be pathogenic (PMID: 22444670). Information on the frequency of this variant in the gnomAD database is not available, as this variant may be reported differently in the database. This variant has not been reported in the literature in individuals affected with SKIV2L-related conditions. Algorithms developed to predict the effect of sequence changes on RNA splicing suggest that this variant may disrupt the consensus splice site. In summary, the currently available evidence indicates that the variant is pathogenic, but additional data are needed to prove that conclusively. Therefore, this variant has been classified as Likely Pathogenic.

Literature cited by the submitters: PubMed 16199547; PubMed 22444670.